The following is an entry in ClinVar:

ClinVar aggregate classification (germline): Uncertain significance (1 of 4 stars; one submission).

Allele frequency attached by ClinVar (database versions not stated): gnomAD 0.00002 and 0.00003; TOPMed 0.00003.
gnomAD v4.1: 3 of 1,613,916 alleles (0.00019%); highest among the groups gnomAD compares: African/African-American, 0.004%; no homozygotes.

Submission:

Labcorp Genetics (formerly Invitae), Labcorp
Classification: Uncertain significance. Last evaluated: 2024-12-02. Review status: criteria provided, single submitter. Criteria: Invitae Variant Classification Sherloc (09022015). Collection method: clinical testing. Allele origin: germline.
Comment: This sequence change replaces valine, which is neutral and non-polar, with phenylalanine, which is neutral and non-polar, at codon 1166 of the RBP3 protein (p.Val1166Phe). This variant is not present in population databases (gnomAD no frequency). This variant has not been reported in the literature in individuals affected with RBP3-related conditions. ClinVar contains an entry for this variant (Variation ID: 1516562). Invitae Evidence Modeling of protein sequence and biophysical properties (such as structural, functional, and spatial information, amino acid conservation, physicochemical variation, residue mobility, and thermodynamic stability) indicates that this missense variant is not expected to disrupt RBP3 protein function with a negative predictive value of 80%. In summary, the available evidence is currently insufficient to determine the role of this variant in disease. Therefore, it has been classified as a Variant of Uncertain Significance.

NM_002900.3(RBP3):c.3496G>T (p.Val1166Phe)

Gene: RBP3 (retinol binding protein 3; plus strand). Cytogenetic location: 10q11.22.
Variant type: single nucleotide variant.
Coding change: c.3496G>T on transcript NM_002900.3 (MANE Select); coding-DNA position 3496, G replaced by T.
Protein change: p.Val1166Phe; replaces valine 1166 with phenylalanine.
Molecular consequence: missense variant.
Genome position (GRCh38, 1-based): chr10:47,357,209, G>T. VCF-style: chr10-47357209-G-T. GRCh37 (hg19) VCF-style: chr10-48382153-C-A.
Other names: short protein forms V1166F.
Identifiers: ClinVar variation 1516562 (VCV001516562.8), dbSNP rs782707480, ClinGen allele CA376677326.
Genomic context (GRCh38, chr10:47,357,209, plus strand): 5'-GTGACGGCCGGCACCGCGGAGGAGTTCACCTATATCATGAAGAGGCTGGGCCGGGCCCTG[G>T]TCATTGGGGAGGTGACCAGTGGGGGCTGCCAGCCACCACAGACCTACCACGTGGATGACA-3'
Protein context (NP_002891.1, residues 1156-1176): YIMKRLGRAL[Val1166Phe]IGEVTSGGCQ